The following is an entry in ClinVar:

NM_003640.5(ELP1):c.1774C>T (p.Pro592Ser)

Gene: ELP1 (elongator acetyltransferase complex subunit 1; minus strand). Cytogenetic location: 9q31.3.
Variant type: single nucleotide variant.
Coding change: c.1774C>T on transcript NM_003640.5 (MANE Select); coding-DNA position 1774, C replaced by T.
Protein change: p.Pro592Ser; replaces proline 592 with serine.
Molecular consequence: missense variant.
Genome position (GRCh38, 1-based): chr9:108,902,919, G>A on the plus strand (C>T on the coding strand, the complement: ELP1 is on the minus strand). VCF-style: chr9-108902919-G-A. GRCh37 (hg19) VCF-style: chr9-111665199-G-A.
Other names: c.1432C>T, p.Pro478Ser (NM_001318360.2); c.727C>T, p.Pro243Ser (NM_001330749.2); short protein forms P243S, P478S, P592S.
Identifiers: ClinVar variation 1980942 (VCV001980942.1), dbSNP rs376596678, ClinGen allele CA197538525.

ClinVar aggregate classification (germline): Uncertain significance (1 of 4 stars; one submission).

Allele frequency attached by ClinVar (database versions not stated): TOPMed 0.00003; ESP Exome Variant Server 0.00008.
gnomAD v4.1: 1 of 1,613,914 alleles (0.000062%); highest among the groups gnomAD compares: African/African-American, 0.0013%; no homozygotes.

Submission:

Labcorp Genetics (formerly Invitae), Labcorp
Classification: Uncertain significance. Last evaluated: 2022-07-12. Review status: criteria provided, single submitter. Criteria: Invitae Variant Classification Sherloc (09022015). Collection method: clinical testing. Allele origin: germline.
Comment: This sequence change replaces proline, which is neutral and non-polar, with serine, which is neutral and polar, at codon 592 of the ELP1 protein (p.Pro592Ser). This variant is not present in population databases (gnomAD no frequency). This variant has not been reported in the literature in individuals affected with ELP1-related conditions. Algorithms developed to predict the effect of missense changes on protein structure and function are either unavailable or do not agree on the potential impact of this missense change (SIFT: "Tolerated"; PolyPhen-2: "Possibly Damaging"; Align-GVGD: "Class C0"). In summary, the available evidence is currently insufficient to determine the role of this variant in disease. Therefore, it has been classified as a Variant of Uncertain Significance.